The following is an entry in ClinVar:

NM_001001548.3(CD36):c.120+1G>A

Gene: CD36 (CD36 molecule (CD36 blood group); plus strand). Cytogenetic location: 7q21.11.
Variant type: single nucleotide variant.
Coding change: c.120+1G>A on transcript NM_001001548.3 (MANE Select); the canonical splice donor site of the intron after coding-DNA position 120, G replaced by A.
Molecular consequence: splice donor variant. On other transcripts: intron variant (2).
Genome position (GRCh38, 1-based): chr7:80,646,861, G>A. VCF-style: chr7-80646861-G-A. GRCh37 (hg19) VCF-style: chr7-80276177-G-A.
Other names: c.120+1G>A (NM_001371075.1, NM_001001547.3, NM_001371074.1 and 8 more transcripts); c.-363+1G>A (NM_001371081.1); c.-108-9679G>A (NM_001289911.2); c.-184-14202G>A (NM_001371080.1).
Identifiers: ClinVar variation 1708387 (VCV001708387.3), dbSNP rs751471043, ClinGen allele CA4314995.

ClinVar aggregate classification (germline): Pathogenic (1 of 4 stars; one submission).

gnomAD v4.1: 3 of 1,613,784 alleles (0.00019%); highest among the groups gnomAD compares: South Asian, 0.0022%; no homozygotes.

Submission:

Centre of Medical Genetics, University Hospital Muenster
Classification: Pathogenic. Last evaluated: 2022-01-20. Review status: criteria provided, single submitter. Criteria: ACMG Guidelines, 2015. Collection method: clinical testing. Allele origin: unknown. Affected: yes. Observed: 1 variant allele, 1 heterozygote.
Comment: ACMG categories: PVS1,PM2,PP3